The following is an entry in ClinVar:

ClinVar aggregate classification (germline): Uncertain significance. Review status: criteria provided, multiple submitters, no conflicts (2 of 4 stars). 3 submissions from 3 submitters: Uncertain significance (3). Last evaluated 2025-07-29.

Allele frequency attached by ClinVar (database versions not stated): ExAC 0.00013; gnomAD 0.00013; TOPMed 0.00013; ESP Exome Variant Server 0.00015.
gnomAD v4.1: 409 of 1,613,992 alleles (0.025%); highest among the groups gnomAD compares: Non-Finnish European, 0.034%; no homozygotes.

Submissions (3):

Labcorp Genetics (formerly Invitae), Labcorp
Classification: Uncertain significance. Last evaluated: 2025-07-29. Review status: criteria provided, single submitter. Criteria: Invitae Variant Classification Sherloc (09022015). Collection method: clinical testing. Allele origin: germline.
Comment: This sequence change replaces alanine, which is neutral and non-polar, with glycine, which is neutral and non-polar, at codon 1666 of the IGSF10 protein (p.Ala1666Gly). This variant is present in population databases (rs202113160, gnomAD 0.03%). This variant has not been reported in the literature in individuals affected with IGSF10-related conditions. ClinVar contains an entry for this variant (Variation ID: 2654238). An algorithm developed to predict the effect of missense changes on protein structure and function outputs the following: PolyPhen-2: "Benign". The glycine amino acid residue is found in multiple mammalian species, which suggests that this missense change does not adversely affect protein function. In summary, the available evidence is currently insufficient to determine the role of this variant in disease. Therefore, it has been classified as a Variant of Uncertain Significance.

Ambry Genetics
Classification: Uncertain significance. Last evaluated: 2025-03-08. Review status: criteria provided, single submitter. Criteria: Ambry Variant Classification Scheme 2023. Collection method: clinical testing. Allele origin: germline.

CeGaT Center for Human Genetics Tuebingen
Classification: Uncertain significance. Last evaluated: 2023-03-01. Review status: criteria provided, single submitter. Criteria: CeGaT Center For Human Genetics Tuebingen Variant Classification Criteria Version 2. Collection method: clinical testing. Allele origin: germline. Affected: yes. Observed: 1 variant allele.
Comment: IGSF10: PM2, BP4

NM_178822.5(IGSF10):c.4997C>G (p.Ala1666Gly)

Gene: IGSF10 (immunoglobulin superfamily member 10; minus strand). Cytogenetic location: 3q25.1.
Variant type: single nucleotide variant.
Coding change: c.4997C>G on transcript NM_178822.5 (MANE Select); coding-DNA position 4997, C replaced by G.
Protein change: p.Ala1666Gly; replaces alanine 1666 with glycine.
Molecular consequence: missense variant.
Genome position (GRCh38, 1-based): chr3:151,444,984, G>C on the plus strand (C>G on the coding strand, the complement: IGSF10 is on the minus strand). VCF-style: chr3-151444984-G-C. GRCh37 (hg19) VCF-style: chr3-151162772-G-C.
Other names: c.4997C>G, p.Ala1666Gly (NM_001385060.1, NM_001385061.1, NM_001385062.1 and 1 more transcripts); c.4997C>G (NM_178822.4); short protein forms A1666G.
Identifiers: ClinVar variation 2654238 (VCV002654238.28), dbSNP rs202113160, ClinGen allele CA2669856.